The following is an entry in ClinVar:

ClinVar aggregate classification (germline): Uncertain significance (1 of 4 stars; one submission).

Conditions:
Nephronophthisis 15 (NPHP15). Identifiers: Orphanet 3156, MedGen C3541853, MONDO:0013917, OMIM 614845.

Allele frequency attached by ClinVar (database versions not stated): gnomAD exomes below 0.00001; TOPMed below 0.00001.

Submission:

Labcorp Genetics (formerly Invitae), Labcorp
Classification: Uncertain significance for Nephronophthisis 15. Last evaluated: 2020-12-04. Review status: criteria provided, single submitter. Criteria: Invitae Variant Classification Sherloc (09022015). Collection method: clinical testing. Allele origin: germline.
Comment: In summary, the available evidence is currently insufficient to determine the role of this variant in disease. Therefore, it has been classified as a Variant of Uncertain Significance. Algorithms developed to predict the effect of missense changes on protein structure and function output the following: SIFT: "Deleterious"; PolyPhen-2: "Possibly Damaging"; Align-GVGD: "Class C0". The alanine amino acid residue is found in multiple mammalian species, suggesting that this missense change does not adversely affect protein function. These predictions have not been confirmed by published functional studies and their clinical significance is uncertain. This variant has not been reported in the literature in individuals with CEP164-related conditions. This variant is not present in population databases (ExAC no frequency). This sequence change replaces valine with alanine at codon 1118 of the CEP164 protein (p.Val1118Ala). The valine residue is moderately conserved and there is a small physicochemical difference between valine and alanine.

NM_014956.5(CEP164):c.3353T>C (p.Val1118Ala)

Gene: CEP164 (centrosomal protein 164; plus strand). Cytogenetic location: 11q23.3.
Variant type: single nucleotide variant.
Coding change: c.3353T>C on transcript NM_014956.5 (MANE Select); coding-DNA position 3353, T replaced by C.
Protein change: p.Val1118Ala; replaces valine 1118 with alanine.
Molecular consequence: missense variant.
Genome position (GRCh38, 1-based): chr11:117,397,165, T>C. VCF-style: chr11-117397165-T-C. GRCh37 (hg19) VCF-style: chr11-117267881-T-C.
Other names: c.3362T>C, p.Val1121Ala (NM_001271933.2); short protein forms V1118A, V1121A.
Identifiers: ClinVar variation 1427614 (VCV001427614.8), dbSNP rs1455570319, ClinGen allele CA382735695.